The following is an entry in ClinVar:

NM_000135.4(FANCA):c.4264C>G (p.Leu1422Val)

Genes: FANCA (FA complementation group A; minus strand), ZNF276 (zinc finger protein 276; plus strand). Cytogenetic location: 16q24.3.
Variant type: single nucleotide variant.
Coding change: c.4264C>G on transcript NM_000135.4 (MANE Select); coding-DNA position 4264, C replaced by G.
Protein change: p.Leu1422Val; replaces leucine 1422 with valine.
Molecular consequence: missense variant. On other transcripts: 3 prime UTR variant (2), non-coding transcript variant (4).
Genome position (GRCh38, 1-based): chr16:89,738,705, G>C on the plus strand (C>G on the coding strand, the complement: FANCA is on the minus strand). VCF-style: chr16-89738705-G-C. GRCh37 (hg19) VCF-style: chr16-89805113-G-C.
Other names: c.4268C>G, p.Ala1423Gly (NM_001286167.3); c.*459G>C (NM_001113525.2, NM_152287.4); short protein forms A1423G, L1422V.
Identifiers: ClinVar variation 2796594 (VCV002796594.4), dbSNP rs753660236, ClinGen allele CA397483161.

ClinVar aggregate classification (germline): Uncertain significance. Review status: criteria provided, multiple submitters, no conflicts (2 of 4 stars). 2 submissions from 2 submitters: Uncertain significance (2). Last evaluated 2025-10-15.

Conditions:
Inborn genetic diseases. Identifiers: MedGen C0950123, MeSH D030342.
Fanconi anemia (FA). Also called: Fanconi's anemia. Identifiers: Orphanet 84, MedGen C0015625, MeSH D005199, MONDO:0019391.

gnomAD v4.1: 1 of 1,613,878 alleles (0.000062%); highest among the groups gnomAD compares: East Asian, 0.0022%; no homozygotes.

Submissions (2):

Ambry Genetics
Classification: Uncertain significance for Inborn genetic diseases. Last evaluated: 2025-10-15. Review status: criteria provided, single submitter. Criteria: Ambry Variant Classification Scheme 2023. Collection method: clinical testing. Allele origin: germline.
Comment: The p.L1422V variant (also known as c.4264C>G), located in coding exon 43 of the FANCA gene, results from a C to G substitution at nucleotide position 4264. The leucine at codon 1422 is replaced by valine, an amino acid with highly similar properties. This amino acid position is conserved. In addition, this alteration is predicted to be tolerated by in silico analysis. Based on the available evidence, the clinical significance of this variant remains unclear.

Labcorp Genetics (formerly Invitae), Labcorp
Classification: Uncertain significance for Fanconi anemia. Last evaluated: 2023-04-04. Review status: criteria provided, single submitter. Criteria: Invitae Variant Classification Sherloc (09022015). Collection method: clinical testing. Allele origin: germline.
Comment: This sequence change replaces leucine, which is neutral and non-polar, with valine, which is neutral and non-polar, at codon 1422 of the FANCA protein (p.Leu1422Val). This variant is not present in population databases (gnomAD no frequency). This variant has not been reported in the literature in individuals affected with FANCA-related conditions. Advanced modeling of protein sequence and biophysical properties (such as structural, functional, and spatial information, amino acid conservation, physicochemical variation, residue mobility, and thermodynamic stability) has been performed at Invitae for this missense variant, however the output from this modeling did not meet the statistical confidence thresholds required to predict the impact of this variant on FANCA protein function. In summary, the available evidence is currently insufficient to determine the role of this variant in disease. Therefore, it has been classified as a Variant of Uncertain Significance.